The following is an entry in ClinVar:

ClinVar aggregate classification (germline): Benign (1 of 4 stars; one submission).

Allele frequency attached by ClinVar (database versions not stated): gnomAD 0.01385 and 0.01482; 1000 Genomes Project 30x 0.01437; 1000 Genomes Project 0.01458; TOPMed 0.01556.
gnomAD v4.1: 2,081 of 151,854 alleles (1.4%); highest among the groups gnomAD compares: African/African-American, 4.7%; 43 homozygotes.

Submission:

GeneDx
Classification: Benign. Last evaluated: 2018-06-14. Review status: criteria provided, single submitter. Criteria: GeneDx Variant Classification (06012015). Collection method: clinical testing. Allele origin: germline. Affected: yes.
Comment: This variant is considered likely benign or benign based on one or more of the following criteria: it is a conservative change, it occurs at a poorly conserved position in the protein, it is predicted to be benign by multiple in silico algorithms, and/or has population frequency not consistent with disease.

NM_014244.5(ADAMTS2):c.2086-190C>T

Gene: ADAMTS2 (ADAM metallopeptidase with thrombospondin type 1 motif 2; minus strand). Cytogenetic location: 5q35.3.
Variant type: single nucleotide variant.
Coding change: c.2086-190C>T on transcript NM_014244.5 (MANE Select); 190 bases into the intron before coding-DNA position 2086, C replaced by T.
Molecular consequence: intron variant.
Genome position (GRCh38, 1-based): chr5:179,133,090, G>A on the plus strand (C>T on the coding strand, the complement: ADAMTS2 is on the minus strand). VCF-style: chr5-179133090-G-A. GRCh37 (hg19) VCF-style: chr5-178560091-G-A.
Identifiers: ClinVar variation 678732 (VCV000678732.1), dbSNP rs114650849, ClinGen allele CA133035078.